The following is an entry in ClinVar:

ClinVar aggregate classification (germline): Uncertain significance (1 of 4 stars; one submission).

Allele frequency attached by ClinVar (database versions not stated): ExAC 0.00002; gnomAD exomes 0.00002 and 0.00001.
gnomAD v4.1: 12 of 1,614,090 alleles (0.00074%); highest among the groups gnomAD compares: South Asian, 0.0099%; 1 homozygote.

Submission:

Labcorp Genetics (formerly Invitae), Labcorp
Classification: Uncertain significance. Last evaluated: 2022-07-19. Review status: criteria provided, single submitter. Criteria: Invitae Variant Classification Sherloc (09022015). Collection method: clinical testing. Allele origin: germline.
Comment: In summary, the available evidence is currently insufficient to determine the role of this variant in disease. Therefore, it has been classified as a Variant of Uncertain Significance. Algorithms developed to predict the effect of missense changes on protein structure and function are either unavailable or do not agree on the potential impact of this missense change (SIFT: "Deleterious"; PolyPhen-2: "Probably Damaging"; Align-GVGD: "Class C0"). ClinVar contains an entry for this variant (Variation ID: 1365977). This variant has not been reported in the literature in individuals affected with GNB3-related conditions. This variant is present in population databases (rs782433943, gnomAD 0.01%). This sequence change replaces cysteine, which is neutral and slightly polar, with tyrosine, which is neutral and polar, at codon 204 of the GNB3 protein (p.Cys204Tyr).

NM_002075.4(GNB3):c.611G>A (p.Cys204Tyr)

Gene: GNB3 (G protein subunit beta 3; plus strand). Cytogenetic location: 12p13.31.
Variant type: single nucleotide variant.
Coding change: c.611G>A on transcript NM_002075.4 (MANE Select); coding-DNA position 611, G replaced by A.
Protein change: p.Cys204Tyr; replaces cysteine 204 with tyrosine.
Molecular consequence: missense variant.
Genome position (GRCh38, 1-based): chr12:6,843,890, G>A. VCF-style: chr12-6843890-G-A. GRCh37 (hg19) VCF-style: chr12-6953054-G-A.
Other names: c.608G>A, p.Cys203Tyr (NM_001297571.2); short protein forms C203Y, C204Y.
Identifiers: ClinVar variation 1365977 (VCV001365977.6), dbSNP rs782433943, ClinGen allele CA6417593.